The following is an entry in ClinVar:

NM_002532.6(NUP88):c.1045-5dup

Gene: NUP88 (nucleoporin 88; minus strand). Cytogenetic location: 17p13.2.
Variant type: Duplication.
Coding change: c.1045-5dup on transcript NM_002532.6 (MANE Select); 5 bases into the intron before coding-DNA position 1045, one base duplicated (T; older notation c.1045-5dupT).
Molecular consequence: intron variant.
Genome position (GRCh38, 1-based): chr17:5,404,251, A duplicated on the plus strand (T on the coding strand, the reverse complement: NUP88 is on the minus strand); the first of 8 consecutive A bases (chr17:5,404,251-5,404,258); duplicating any one gives the same sequence. VCF-style (leftmost placement, unchanged base first): chr17-5404250-T-TA. GRCh37 (hg19) VCF-style: chr17-5307570-T-TA.
Other names: c.1045-5dup (NM_001320653.2).
Identifiers: ClinVar variation 3044917 (VCV003044917.2), dbSNP rs759021015, ClinGen allele CA8324396.

ClinVar aggregate classification (germline): Likely benign (0 of 4 stars; one submission).

Conditions:
NUP88-related disorder. Also called: NUP88-related condition.

Submission:

PreventionGenetics, part of Exact Sciences
Classification: Likely benign for NUP88-related condition. Last evaluated: 2019-06-06. Review status: no assertion criteria provided. Collection method: clinical testing. Allele origin: germline.
Comment: This variant is classified as likely benign based on ACMG/AMP sequence variant interpretation guidelines (Richards et al. 2015 PMID: 25741868, with internal and published modifications).